The following is an entry in ClinVar:

NM_002755.4(MAP2K1):c.709G>A (p.Gly237Arg)

Gene: MAP2K1 (mitogen-activated protein kinase kinase 1; plus strand). Cytogenetic location: 15q22.31.
Variant type: single nucleotide variant.
Coding change: c.709G>A on transcript NM_002755.4 (MANE Select); coding-DNA position 709, G replaced by A.
Protein change: p.Gly237Arg; replaces glycine 237 with arginine.
Molecular consequence: missense variant.
Genome position (GRCh38, 1-based): chr15:66,485,005, G>A. VCF-style: chr15-66485005-G-A. GRCh37 (hg19) VCF-style: chr15-66777343-G-A.
Other names: c.565G>A, p.Gly189Arg (NM_001411065.1); short protein forms G189R, G237R.
Identifiers: ClinVar variation 2155318 (VCV002155318.5), dbSNP rs1893003594, ClinGen allele CA392936924.
Genomic context (GRCh38, chr15:66,485,005, plus strand): 5'-GTCCAAGTTAGGTTAGGTGATTATCACTGTCTGTCTCTCCTGCAGCCAGAAAGACTCCAG[G>A]GGACTCATTACTCTGTGCAGTCAGACATCTGGAGCATGGGACTGTCTCTGGTAGAGATGG-3'
Protein context (NP_002746.1, residues 227-247): RSYMSPERLQ[Gly237Arg]THYSVQSDIW

ClinVar aggregate classification (germline): Uncertain significance. Review status: criteria provided, multiple submitters, no conflicts (2 of 4 stars). 2 submissions from 2 submitters: Uncertain significance (2). Last evaluated 2023-08-18.

Conditions:
RASopathy. Also called: rasopathies; Noonan spectrum disorder. Identifiers: Orphanet 536391, MedGen C5555857, MONDO:0021060.

Allele frequency attached by ClinVar (database versions not stated): TOPMed below 0.00001; gnomAD 0.00001.
gnomAD v4.1: 1 of 1,613,192 alleles (0.000062%); highest among the groups gnomAD compares: Non-Finnish European, 0.000085%; no homozygotes.

Submissions (2):

Labcorp Genetics (formerly Invitae), Labcorp
Classification: Uncertain significance for RASopathy. Last evaluated: 2023-08-18. Review status: criteria provided, single submitter. Criteria: Invitae Variant Classification Sherloc (09022015). Collection method: clinical testing. Allele origin: germline.
Comment: This variant is not present in population databases (gnomAD no frequency). In summary, the available evidence is currently insufficient to determine the role of this variant in disease. Therefore, it has been classified as a Variant of Uncertain Significance. Advanced modeling of protein sequence and biophysical properties (such as structural, functional, and spatial information, amino acid conservation, physicochemical variation, residue mobility, and thermodynamic stability) performed at Invitae indicates that this missense variant is expected to disrupt MAP2K1 protein function. ClinVar contains an entry for this variant (Variation ID: 2155318). This variant has not been reported in the literature in individuals affected with MAP2K1-related conditions. This sequence change replaces glycine, which is neutral and non-polar, with arginine, which is basic and polar, at codon 237 of the MAP2K1 protein (p.Gly237Arg).

GeneDx
Classification: Uncertain significance. Last evaluated: 2023-01-09. Review status: criteria provided, single submitter. Criteria: GeneDx Variant Classification Process June 2021. Collection method: clinical testing. Allele origin: germline. Affected: yes.
Comment: Not observed at significant frequency in large population cohorts (gnomAD); Missense variants in this gene are often considered pathogenic (HGMD); In silico analysis supports that this missense variant has a deleterious effect on protein structure/function; Has not been previously published as pathogenic or benign to our knowledge